The following is an entry in ClinVar:

NM_004415.4(DSP):c.4177G>A (p.Ala1393Thr)

Gene: DSP (desmoplakin; plus strand). Cytogenetic location: 6p24.3.
Variant type: single nucleotide variant.
Coding change: c.4177G>A on transcript NM_004415.4 (MANE Select); coding-DNA position 4177, G replaced by A.
Protein change: p.Ala1393Thr; replaces alanine 1393 with threonine.
Molecular consequence: missense variant. On other transcripts: intron variant (2).
Genome position (GRCh38, 1-based): chr6:7,580,367, G>A. VCF-style: chr6-7580367-G-A. GRCh37 (hg19) VCF-style: chr6-7580600-G-A.
Other names: c.4050+127G>A (NM_001319034.2); c.3582+595G>A (NM_001008844.3); short protein forms A1393T.
Identifiers: ClinVar variation 2629253 (VCV002629253.6), dbSNP rs1759387797, ClinGen allele CA362685725.

ClinVar aggregate classification (germline): Uncertain significance. Review status: criteria provided, multiple submitters, no conflicts (2 of 4 stars). 3 submissions from 3 submitters: Uncertain significance (3). Last evaluated 2026-06-16.

Conditions:
DSP-related disorder. Also called: DSP-related condition; DSP-related disorders.
Arrhythmogenic cardiomyopathy with wooly hair and keratoderma. Also called: PALMOPLANTAR KERATODERMA WITH LEFT VENTRICULAR CARDIOMYOPATHY AND WOOLLY HAIR; Carvajal syndrome; Arrhythmogenic cardiomyopathy with woolly hair and keratoderma; Dilated cardiomyopathy with woolly hair and keratoderma. Identifiers: Orphanet 65282, MedGen C1854063, MONDO:0011581, OMIM 605676.
Arrhythmogenic right ventricular dysplasia 8 (ARVD8). Also called: Arrhythmogenic Right Ventricular Dysplasia/Cardiomyopathy 8; ARRHYTHMOGENIC RIGHT VENTRICULAR DYSPLASIA, FAMILIAL, 8; ARRHYTHMOGENIC RIGHT VENTRICULAR CARDIOMYOPATHY 8. Identifiers: MedGen C1843896, MONDO:0011831, OMIM 607450.

gnomAD v4.1: 1 of 1,614,108 alleles (0.000062%); no homozygotes.

Submissions (3):

PreventionGenetics, part of Exact Sciences
Classification: Uncertain significance for DSP-related condition. Last evaluated: 2026-06-16. Review status: criteria provided, single submitter. Criteria: ACMG Guidelines, 2015. Collection method: clinical testing. Allele origin: germline.
Comment: The DSP c.4177G>A variant is predicted to result in the amino acid substitution p.Ala1393Thr. To our knowledge, this variant has not been reported in the literature or in a large population database, indicating this variant is rare. At this time, the clinical significance of this variant is uncertain due to the absence of conclusive functional and genetic evidence.

GeneDx
Classification: Uncertain significance. Last evaluated: 2026-05-18. Review status: criteria provided, single submitter. Criteria: GeneDx Variant Classification Process June 2021. Collection method: clinical testing. Allele origin: germline.
Comment: Not observed at significant frequency in large population cohorts (gnomAD); In silico analysis suggests that this missense variant does not alter protein structure/function; Has not been previously published as pathogenic or benign to our knowledge

Labcorp Genetics (formerly Invitae), Labcorp
Classification: Uncertain significance for Arrhythmogenic cardiomyopathy with wooly hair and keratoderma; Arrhythmogenic right ventricular dysplasia 8. Last evaluated: 2026-01-14. Review status: criteria provided, single submitter. Criteria: Invitae Variant Classification Sherloc (09022015). Collection method: clinical testing. Allele origin: germline.
Comment: This sequence change replaces alanine, which is neutral and non-polar, with threonine, which is neutral and polar, at codon 1393 of the DSP protein (p.Ala1393Thr). This variant is not present in population databases (gnomAD no frequency). This variant has not been reported in the literature in individuals affected with DSP-related conditions. ClinVar contains an entry for this variant (Variation ID: 2629253). An algorithm developed to predict the effect of missense changes on protein structure and function outputs the following: PolyPhen-2: "Benign". The threonine amino acid residue is found in multiple mammalian species, which suggests that this missense change does not adversely affect protein function. In summary, the available evidence is currently insufficient to determine the role of this variant in disease. Therefore, it has been classified as a Variant of Uncertain Significance.